The following is an entry in ClinVar:

ClinVar aggregate classification (germline): Uncertain significance (1 of 4 stars; one submission).

Conditions:
Charcot-Marie-Tooth disease type 2. Also called: Charcot-Marie-Tooth type 2. Identifiers: Orphanet 64746, MedGen C0270914, MONDO:0018993.

Allele frequency attached by ClinVar (database versions not stated): gnomAD exomes below 0.00001.
gnomAD v4.1: 1 of 1,586,212 alleles (0.000063%); highest among the groups gnomAD compares: Non-Finnish European, 0.000086%; no homozygotes.

Submission:

Labcorp Genetics (formerly Invitae), Labcorp
Classification: Uncertain significance for Charcot-Marie-Tooth disease type 2. Last evaluated: 2023-11-17. Review status: criteria provided, single submitter. Criteria: Invitae Variant Classification Sherloc (09022015). Collection method: clinical testing. Allele origin: germline.
Comment: This sequence change falls in intron 5 of the MED25 gene. It does not directly change the encoded amino acid sequence of the MED25 protein. It affects a nucleotide within the consensus splice site. This variant is not present in population databases (gnomAD no frequency). This variant has not been reported in the literature in individuals affected with MED25-related conditions. Variants that disrupt the consensus splice site are a relatively common cause of aberrant splicing (PMID: 17576681, 9536098). Algorithms developed to predict the effect of sequence changes on RNA splicing suggest that this variant is not likely to affect RNA splicing. In summary, the available evidence is currently insufficient to determine the role of this variant in disease. Therefore, it has been classified as a Variant of Uncertain Significance.

Literature cited by the submitters: PubMed 17576681; PubMed 9536098.

NM_030973.4(MED25):c.526-3C>T

Gene: MED25 (mediator complex subunit 25; plus strand). Cytogenetic location: 19q13.33.
Variant type: single nucleotide variant.
Coding change: c.526-3C>T on transcript NM_030973.4 (MANE Select); 3 bases into the intron before coding-DNA position 526, C replaced by T.
Molecular consequence: intron variant.
Genome position (GRCh38, 1-based): chr19:49,829,783, C>T. VCF-style: chr19-49829783-C-T. GRCh37 (hg19) VCF-style: chr19-50333040-C-T.
Other names: c.526-3C>T (NM_001378355.1).
Identifiers: ClinVar variation 2890804 (VCV002890804.3), dbSNP rs2514510158, ClinGen allele CA2576857154.